The following is an entry in ClinVar:

NM_016203.4(PRKAG2):c.712G>A (p.Ala238Thr)

Genes: PRKAG2 (protein kinase AMP-activated non-catalytic subunit gamma 2; minus strand), LOC129999660 (ATAC-STARR-seq lymphoblastoid silent region 18823; plus strand). Cytogenetic location: 7q36.1.
Variant type: single nucleotide variant.
Coding change: c.712G>A on transcript NM_016203.4 (MANE Select); coding-DNA position 712, G replaced by A.
Protein change: p.Ala238Thr; replaces alanine 238 with threonine.
Molecular consequence: missense variant. On other transcripts: 5 prime UTR variant (2).
Genome position (GRCh38, 1-based): chr7:151,632,111, C>T on the plus strand (G>A on the coding strand, the complement: PRKAG2 is on the minus strand). VCF-style: chr7-151632111-C-T. GRCh37 (hg19) VCF-style: chr7-151329197-C-T.
Other names: p.A238T:GCG>ACG; c.580G>A, p.Ala194Thr (NM_001040633.2); c.340G>A, p.Ala114Thr (NM_001304527.2, NM_001363698.2); c.-12G>A (NM_001304531.2, NM_024429.2); short protein forms A238T, A194T, A114T.
Identifiers: ClinVar variation 181463 (VCV000181463.34), dbSNP rs200736454, ClinGen allele CA014511.

ClinVar aggregate classification (germline): Conflicting classifications of pathogenicity. Review status: criteria provided, conflicting classifications (1 of 4 stars). 10 submissions from 10 submitters: Uncertain significance (1); Benign (1); Likely benign (7). 1 of the submissions does not count toward it. Last evaluated 2026-04-24.

Conditions:
Cardiovascular phenotype. Identifiers: MedGen CN230736.
PRKAG2-related disorder. Also called: PRKAG2-related condition; PRKAG2-related disorders.
Cardiomyopathy (CMYO). Also called: Cardiomyopathies. Identifiers: Orphanet 167848, MedGen C0878544, MONDO:0004994, HP:0001638. Inheritance: Various modes of inheritance.
Lethal congenital glycogen storage disease of heart. Also called: GLYCOGEN STORAGE DISEASE OF HEART; PHOSPHORYLASE KINASE DEFICIENCY OF HEART. Identifiers: Orphanet 439854, MedGen C1849813, MONDO:0009867, OMIM 261740.

Allele frequency attached by ClinVar (database versions not stated): gnomAD exomes 0.00007; ExAC 0.00015; ESP Exome Variant Server 0.00044; gnomAD 0.00050 and 0.00051; TOPMed 0.00054; 1000 Genomes Project 30x 0.00078; 1000 Genomes Project 0.00100.
gnomAD v4.1: 142 of 1,414,470 alleles (0.01%); highest among the groups gnomAD compares: African/African-American, 0.19%; no homozygotes.

Submissions (10):

Women's Health and Genetics/Laboratory Corporation of America, LabCorp
Classification: Likely benign. Last evaluated: 2026-04-24. Review status: criteria provided, single submitter. Criteria: LabCorp Variant Classification Summary - May 2015. Collection method: clinical testing. Allele origin: germline.

Labcorp Genetics (formerly Invitae), Labcorp
Classification: Likely benign for Lethal congenital glycogen storage disease of heart. Last evaluated: 2026-01-05. Review status: criteria provided, single submitter. Criteria: Invitae Variant Classification Sherloc (09022015). Collection method: clinical testing. Allele origin: germline.

Molecular Diagnostic Laboratory for Inherited Cardiovascular Disease, Montreal Heart Institute
Classification: Likely benign. Last evaluated: 2025-04-09. Review status: criteria provided, single submitter. Criteria: ACMG Guidelines, 2015. Collection method: clinical testing. Allele origin: germline. Affected: no.

Blueprint Genetics
Classification: Likely benign. Last evaluated: 2024-06-11. Review status: criteria provided, single submitter. Criteria: ACMG Guidelines, 2015. Collection method: clinical testing. Allele origin: germline.

GeneDx
Classification: Likely benign. Last evaluated: 2020-12-15. Review status: criteria provided, single submitter. Criteria: GeneDx Variant Classification Process June 2021. Collection method: clinical testing. Allele origin: germline. Affected: yes.

Color Diagnostics, LLC DBA Color Health
Classification: Likely benign for Cardiomyopathy. Last evaluated: 2019-08-22. Review status: criteria provided, single submitter. Criteria: ACMG Guidelines, 2015. Collection method: clinical testing. Allele origin: germline.
Comment: This missense variant replaces alanine with threonine at codon 238 of the PRKAG2 protein. Computational prediction tools and conservation analyses are inconclusive regarding the impact of this variant on protein structure and function. Splice site prediction tools suggest that this variant may not impact RNA splicing. To our knowledge, functional studies have not been performed for this variant. This variant has not been reported in individuals affected with cardiovascular disorders in the literature. This variant has been identified in 27/192420 chromosomes in the general population by the Genome Aggregation Database (gnomAD). The available evidence is insufficient to determine the role of this variant in disease conclusively. Therefore, this variant is classified as a Variant of Uncertain Significance.

CHEO Genetics Diagnostic Laboratory, Children's Hospital of Eastern Ontario
Classification: Benign for Cardiomyopathy. Last evaluated: 2019-02-28. Review status: criteria provided, single submitter. Criteria: ACMG Guidelines, 2015. Collection method: clinical testing. Allele origin: germline.

Ambry Genetics
Classification: Likely benign for Cardiovascular phenotype. Last evaluated: 2018-04-24. Review status: criteria provided, single submitter. Criteria: Ambry Variant Classification Scheme 2023. Collection method: clinical testing. Allele origin: germline.

Stanford Center for Inherited Cardiovascular Disease, Stanford University
Classification: Uncertain significance. Last evaluated: 2016-06-21. Review status: criteria provided, single submitter. Criteria: ACMG Guidelines, 2015. Collection method: provider interpretation. Allele origin: germline.

PreventionGenetics, part of Exact Sciences
Classification: Likely benign for PRKAG2-related condition. Last evaluated: 2024-08-12. Review status: no assertion criteria provided. Collection method: clinical testing. Allele origin: germline. Not counted in ClinVar's aggregate classification.
Comment: This variant is classified as likely benign based on ACMG/AMP sequence variant interpretation guidelines (Richards et al. 2015 PMID: 25741868, with internal and published modifications).